The following is an entry in ClinVar:

NM_178170.3(NEK8):c.2033C>A (p.Thr678Asn)

Gene: NEK8 (NIMA related kinase 8; plus strand). Cytogenetic location: 17q11.2.
Variant type: single nucleotide variant.
Coding change: c.2033C>A on transcript NM_178170.3 (MANE Select); coding-DNA position 2033, C replaced by A.
Protein change: p.Thr678Asn; replaces threonine 678 with asparagine.
Molecular consequence: missense variant.
Genome position (GRCh38, 1-based): chr17:28,741,554, C>A. VCF-style: chr17-28741554-C-A. GRCh37 (hg19) VCF-style: chr17-27068572-C-A.
Other names: short protein forms T678N.
Identifiers: ClinVar variation 4077139 (VCV004077139.1).

ClinVar aggregate classification (germline): Uncertain significance (1 of 4 stars; one submission).

Conditions:
Kidney failure. Identifiers: MedGen C0035078, MONDO:0001106.

Submission:

Clinical Genetics Laboratory, Skane University Hospital Lund
Classification: Uncertain significance for Kidney failure. Last evaluated: 2025-09-02. Review status: criteria provided, single submitter. Criteria: ACMG Guidelines, 2015. Collection method: clinical testing. Allele origin: germline. Affected: yes.
Comment: ACMG criteria applied: PM2, PP3